The following is an entry in ClinVar:

NM_000032.5(ALAS2):c.1567C>G (p.His523Asp)

Gene: ALAS2 (5'-aminolevulinate synthase 2; minus strand). Cytogenetic location: Xp11.21.
Variant type: single nucleotide variant.
Coding change: c.1567C>G on transcript NM_000032.5 (MANE Select); coding-DNA position 1567, C replaced by G.
Protein change: p.His523Asp; replaces histidine 523 with aspartic acid.
Molecular consequence: missense variant.
Genome position (GRCh38, 1-based): chrX:55,013,519, G>C on the plus strand (C>G on the coding strand, the complement: ALAS2 is on the minus strand). VCF-style: chrX-55013519-G-C. GRCh37 (hg19) VCF-style: chrX-55039952-G-C.
Other names: c.1456C>G, p.His486Asp (NM_001037967.4); c.1528C>G, p.His510Asp (NM_001037968.4); short protein forms H486D, H523D, H510D.
Identifiers: ClinVar variation 3718822 (VCV003718822.2).

ClinVar aggregate classification (germline): Uncertain significance (1 of 4 stars; one submission).

gnomAD v4.1: 13 of 1,208,496 alleles (0.0011%); highest among the groups gnomAD compares: Non-Finnish European, 0.0015%; no homozygotes.

Submission:

Labcorp Genetics (formerly Invitae), Labcorp
Classification: Uncertain significance. Last evaluated: 2024-07-26. Review status: criteria provided, single submitter. Criteria: Invitae Variant Classification Sherloc (09022015). Collection method: clinical testing. Allele origin: germline.
Comment: This sequence change replaces histidine, which is basic and polar, with aspartic acid, which is acidic and polar, at codon 523 of the ALAS2 protein (p.His523Asp). This variant is present in population databases (rs199826743, gnomAD 0.003%). This variant has not been reported in the literature in individuals affected with ALAS2-related conditions. Advanced modeling of protein sequence and biophysical properties (such as structural, functional, and spatial information, amino acid conservation, physicochemical variation, residue mobility, and thermodynamic stability) has been performed at Invitae for this missense variant, however the output from this modeling did not meet the statistical confidence thresholds required to predict the impact of this variant on ALAS2 protein function. In summary, the available evidence is currently insufficient to determine the role of this variant in disease. Therefore, it has been classified as a Variant of Uncertain Significance.